The following is an entry in ClinVar:

ClinVar aggregate classification (germline): Uncertain significance. Review status: criteria provided, multiple submitters, no conflicts (2 of 4 stars). 2 submissions from 2 submitters: Uncertain significance (2). Last evaluated 2025-09-21.

Conditions:
Inborn genetic diseases. Identifiers: MedGen C0950123, MeSH D030342.

Allele frequency attached by ClinVar (database versions not stated): TOPMed 0.00011; ESP Exome Variant Server 0.00015; gnomAD exomes below 0.00001.
gnomAD v4.1: 12 of 1,613,664 alleles (0.00074%); highest among the groups gnomAD compares: Non-Finnish European, 0.00017%; no homozygotes.

Submissions (2):

Ambry Genetics
Classification: Uncertain significance for Inborn genetic diseases. Last evaluated: 2025-09-21. Review status: criteria provided, single submitter. Criteria: Ambry Variant Classification Scheme 2023. Collection method: clinical testing. Allele origin: germline.

Labcorp Genetics (formerly Invitae), Labcorp
Classification: Uncertain significance. Last evaluated: 2022-06-30. Review status: criteria provided, single submitter. Criteria: Invitae Variant Classification Sherloc (09022015). Collection method: clinical testing. Allele origin: germline.
Comment: This variant is not present in population databases (gnomAD no frequency). This variant has not been reported in the literature in individuals affected with WARS2-related conditions. Algorithms developed to predict the effect of missense changes on protein structure and function (SIFT, PolyPhen-2, Align-GVGD) all suggest that this variant is likely to be tolerated. In summary, the available evidence is currently insufficient to determine the role of this variant in disease. Therefore, it has been classified as a Variant of Uncertain Significance. This sequence change replaces lysine, which is basic and polar, with glutamic acid, which is acidic and polar, at codon 148 of the WARS2 protein (p.Lys148Glu).

NM_015836.4(WARS2):c.442A>G (p.Lys148Glu)

Gene: WARS2 (tryptophanyl tRNA synthetase 2, mitochondrial; minus strand). Cytogenetic location: 1p12.
Variant type: single nucleotide variant.
Coding change: c.442A>G on transcript NM_015836.4 (MANE Select); coding-DNA position 442, A replaced by G.
Protein change: p.Lys148Glu; replaces lysine 148 with glutamic acid.
Molecular consequence: missense variant. On other transcripts: intron variant (1).
Genome position (GRCh38, 1-based): chr1:119,042,337, T>C on the plus strand (A>G on the coding strand, the complement: WARS2 is on the minus strand). VCF-style: chr1-119042337-T-C. GRCh37 (hg19) VCF-style: chr1-119584960-T-C.
Other names: c.442A>G (NM_015836.3); c.373A>G, p.Lys125Glu (NM_001378226.1, NM_001378227.1); c.271A>G, p.Lys91Glu (NM_001378228.1); c.184A>G, p.Lys62Glu (NM_001378229.1); c.160A>G, p.Lys54Glu (NM_001378230.1); c.442A>G, p.Lys148Glu (NM_201263.2); c.429+3245A>G (NM_001378231.1); short protein forms K148E, K62E, K91E, K125E, K54E.
Identifiers: ClinVar variation 1948878 (VCV001948878.5), dbSNP rs149201054, ClinGen allele CA30377439.